The following is an entry in ClinVar:

NM_001360.3(DHCR7):c.964-6C>T

Gene: DHCR7 (7-dehydrocholesterol reductase; minus strand). Cytogenetic location: 11q13.4.
Variant type: single nucleotide variant.
Coding change: c.964-6C>T on transcript NM_001360.3 (MANE Select); 6 bases into the intron before coding-DNA position 964, C replaced by T.
Molecular consequence: intron variant.
Genome position (GRCh38, 1-based): chr11:71,435,845, G>A on the plus strand (C>T on the coding strand, the complement: DHCR7 is on the minus strand). VCF-style: chr11-71435845-G-A. GRCh37 (hg19) VCF-style: chr11-71146891-G-A.
Other names: c.964-6C>T (NM_001163817.2, NM_001360.2).
Identifiers: ClinVar variation 1157832 (VCV001157832.11), dbSNP rs772882845, ClinGen allele CA6162349.

ClinVar aggregate classification (germline): Likely benign. Review status: criteria provided, single submitter (1 of 4 stars). 2 submissions from 2 submitters: Likely benign (1). 1 of the submissions does not count toward it. Last evaluated 2025-11-06.

Conditions:
Smith-Lemli-Opitz syndrome (SLOS). Also called: LETHAL ACRODYSGENITAL SYNDROME; POLYDACTYLY, SEX REVERSAL, RENAL HYPOPLASIA, AND UNILOBAR LUNG; RSH SYNDROME; RUTLEDGE LETHAL MULTIPLE CONGENITAL ANOMALY SYNDROME; 7-Dehydrocholesterol reductase deficiency. Identifiers: Orphanet 818, MedGen C0175694, MONDO:0010035, OMIM 270400.
DHCR7-related disorder. Also called: DHCR7-related condition.

Allele frequency attached by ClinVar (database versions not stated): gnomAD 0.00001; gnomAD exomes 0.00001 and 0.00005; TOPMed 0.00002; ExAC 0.00005.
gnomAD v4.1: 9 of 1,597,648 alleles (0.00056%); highest among the groups gnomAD compares: East Asian, 0.013%; no homozygotes.

Submissions (2):

Labcorp Genetics (formerly Invitae), Labcorp
Classification: Likely benign for Smith-Lemli-Opitz syndrome. Last evaluated: 2025-11-06. Review status: criteria provided, single submitter. Criteria: Invitae Variant Classification Sherloc (09022015). Collection method: clinical testing. Allele origin: germline.

PreventionGenetics, part of Exact Sciences
Classification: Likely benign for DHCR7-related condition. Last evaluated: 2023-05-30. Review status: no assertion criteria provided. Collection method: clinical testing. Allele origin: germline. Not counted in ClinVar's aggregate classification.
Comment: This variant is classified as likely benign based on ACMG/AMP sequence variant interpretation guidelines (Richards et al. 2015 PMID: 25741868, with internal and published modifications).